The following is an entry in ClinVar:

NM_033004.4(NLRP1):c.2729G>T (p.Cys910Phe)

Gene: NLRP1 (NLR family pyrin domain containing 1; minus strand). Cytogenetic location: 17p13.2.
Variant type: single nucleotide variant.
Coding change: c.2729G>T on transcript NM_033004.4 (MANE Select); coding-DNA position 2729, G replaced by T.
Protein change: p.Cys910Phe; replaces cysteine 910 with phenylalanine.
Molecular consequence: missense variant.
Genome position (GRCh38, 1-based): chr17:5,539,556, C>A on the plus strand (G>T on the coding strand, the complement: NLRP1 is on the minus strand). VCF-style: chr17-5539556-C-A. GRCh37 (hg19) VCF-style: chr17-5442876-C-A.
Other names: c.2729G>T, p.Cys910Phe (NM_014922.5, NM_033006.4, NM_033007.4 and 1 more transcripts); short protein forms C910F.
Identifiers: ClinVar variation 2802417 (VCV002802417.3), dbSNP rs755422854, ClinGen allele CA397377429.

ClinVar aggregate classification (germline): Uncertain significance (1 of 4 stars; one submission).

Allele frequency attached by ClinVar (database versions not stated): TOPMed below 0.00001.

Submission:

Labcorp Genetics (formerly Invitae), Labcorp
Classification: Uncertain significance. Last evaluated: 2023-12-22. Review status: criteria provided, single submitter. Criteria: Invitae Variant Classification Sherloc (09022015). Collection method: clinical testing. Allele origin: germline.
Comment: This sequence change replaces cysteine, which is neutral and slightly polar, with phenylalanine, which is neutral and non-polar, at codon 910 of the NLRP1 protein (p.Cys910Phe). This variant is not present in population databases (gnomAD no frequency). This variant has not been reported in the literature in individuals affected with NLRP1-related conditions. An algorithm developed to predict the effect of missense changes on protein structure and function (PolyPhen-2) suggests that this variant is likely to be tolerated. In summary, the available evidence is currently insufficient to determine the role of this variant in disease. Therefore, it has been classified as a Variant of Uncertain Significance.